The following is an entry in ClinVar:

ClinVar aggregate classification (germline): Uncertain significance (1 of 4 stars; one submission).

Conditions:
Hereditary pancreatitis (PCTT). Also called: Hereditary chronic pancreatitis; PRSS1-Related Hereditary Pancreatitis. Identifiers: Orphanet 676, MedGen C0238339, MONDO:0008185, OMIM 167800.

Submission:

Labcorp Genetics (formerly Invitae), Labcorp
Classification: Uncertain significance for Hereditary pancreatitis. Last evaluated: 2023-05-17. Review status: criteria provided, single submitter. Criteria: Invitae Variant Classification Sherloc (09022015). Collection method: clinical testing. Allele origin: germline.
Comment: In summary, the available evidence is currently insufficient to determine the role of this variant in disease. Therefore, it has been classified as a Variant of Uncertain Significance. This variant is not present in population databases (gnomAD no frequency). This sequence change replaces lysine, which is basic and polar, with arginine, which is basic and polar, at codon 66 of the PRSS1 protein (p.Lys66Arg). This variant has not been reported in the literature in individuals affected with PRSS1-related conditions. Algorithms developed to predict the effect of sequence changes on RNA splicing suggest that this variant may create or strengthen a splice site. Advanced modeling of protein sequence and biophysical properties (such as structural, functional, and spatial information, amino acid conservation, physicochemical variation, residue mobility, and thermodynamic stability) performed at Invitae indicates that this missense variant is not expected to disrupt PRSS1 protein function. ClinVar contains an entry for this variant (Variation ID: 2182275).

NM_002769.5(PRSS1):c.197A>G (p.Lys66Arg)

Genes: TRB (T cell receptor beta locus; plus strand), PRSS1 (serine protease 1; plus strand). Cytogenetic location: 7q34.
Variant type: single nucleotide variant.
Coding change: c.197A>G on transcript NM_002769.5 (MANE Select); coding-DNA position 197, A replaced by G.
Protein change: p.Lys66Arg; replaces lysine 66 with arginine.
Molecular consequence: missense variant. On other transcripts: non-coding transcript variant (2).
Genome position (GRCh38, 1-based): chr7:142,750,711, A>G. VCF-style: chr7-142750711-A-G. GRCh37 (hg19) VCF-style: chr7-142458562-A-G.
Other names: short protein forms K66R.
Identifiers: ClinVar variation 2182275 (VCV002182275.4), dbSNP rs2485734155, ClinGen allele CA369607596.